The following is an entry in ClinVar:

ClinVar aggregate classification (germline): Conflicting classifications of pathogenicity. Review status: criteria provided, conflicting classifications (1 of 4 stars). 4 submissions from 4 submitters: Uncertain significance (3); Likely benign (1). Last evaluated 2024-02-21.

Conditions:
Hereditary cancer-predisposing syndrome. Also called: Neoplastic Syndromes, Hereditary; Tumor predisposition; Hereditary Cancer Syndrome; Hereditary neoplastic syndrome. Identifiers: Orphanet 140162, MedGen C0027672, MeSH D009386, MONDO:0015356.
Hereditary breast ovarian cancer syndrome. Also called: BRCA1- and BRCA2-Associated Hereditary Breast and Ovarian Cancer; Hereditary breast and ovarian cancer syndrome; Hereditary breast and ovarian cancer; Hereditary breast and ovarian cancer syndrome (HBOC); Breast and ovarian cancer; Hereditary breast and/or ovarian cancer syndrome. Identifiers: Orphanet 145, MedGen C0677776, MeSH D061325, MONDO:0003582. Disease mechanism: loss of function.

Submissions (4):

Ambry Genetics
Classification: Uncertain significance for Hereditary cancer-predisposing syndrome. Last evaluated: 2024-02-21. Review status: criteria provided, single submitter. Criteria: Ambry Variant Classification Scheme 2023. Collection method: clinical testing. Allele origin: germline.
Comment: The p.W563C variant (also known as c.1689G>T), located in coding exon 9 of the BRCA2 gene, results from a G to T substitution at nucleotide position 1689. The tryptophan at codon 563 is replaced by cysteine, an amino acid with highly dissimilar properties. This amino acid position is not well conserved in available vertebrate species. In addition, this alteration is predicted to be tolerated by in silico analysis. Based on the available evidence, the clinical significance of this alteration remains unclear.

University of Washington Department of Laboratory Medicine, University of Washington
Classification: Likely benign for Hereditary cancer-predisposing syndrome. Last evaluated: 2023-03-23. Review status: criteria provided, single submitter. Criteria: Dines et al. (Genet Med. 2020). Collection method: curation. Allele origin: germline.
Comment: Missense variant in a coldspot region where missense variants are very unlikely to be pathogenic (PMID:31911673).

BRCA2 exon 10 coldspot. Reclassification based on statistical prior probability.

Labcorp Genetics (formerly Invitae), Labcorp
Classification: Uncertain significance for Hereditary breast ovarian cancer syndrome. Last evaluated: 2022-02-19. Review status: criteria provided, single submitter. Criteria: Invitae Variant Classification Sherloc (09022015). Collection method: clinical testing. Allele origin: germline.
Comment: In summary, the available evidence is currently insufficient to determine the role of this variant in disease. Therefore, it has been classified as a Variant of Uncertain Significance. Advanced modeling of protein sequence and biophysical properties (such as structural, functional, and spatial information, amino acid conservation, physicochemical variation, residue mobility, and thermodynamic stability) performed at Invitae indicates that this missense variant is not expected to disrupt BRCA2 protein function. ClinVar contains an entry for this variant (Variation ID: 919567). This variant has not been reported in the literature in individuals affected with BRCA2-related conditions. This variant is not present in population databases (gnomAD no frequency). This sequence change replaces tryptophan, which is neutral and slightly polar, with cysteine, which is neutral and slightly polar, at codon 563 of the BRCA2 protein (p.Trp563Cys).

Color Diagnostics, LLC DBA Color Health
Classification: Uncertain significance for Hereditary cancer-predisposing syndrome. Last evaluated: 2021-04-07. Review status: criteria provided, single submitter. Criteria: ACMG Guidelines, 2015. Collection method: clinical testing. Allele origin: germline.
Comment: This missense variant replaces tryptophan with cysteine at codon 563 of the BRCA2 protein. Computational prediction suggests that this variant may not impact protein structure and function (internally defined REVEL score threshold <= 0.5, PMID: 27666373). To our knowledge, functional studies have not been reported for this variant. This variant has not been reported in individuals affected with hereditary cancer in the literature. This variant has not been identified in the general population by the Genome Aggregation Database (gnomAD). The available evidence is insufficient to determine the role of this variant in disease conclusively. Therefore, this variant is classified as a Variant of Uncertain Significance.

NM_000059.4(BRCA2):c.1689G>T (p.Trp563Cys)

Gene: BRCA2 (BRCA2 DNA repair associated; plus strand). Cytogenetic location: 13q13.1.
Variant type: single nucleotide variant.
Coding change: c.1689G>T on transcript NM_000059.4 (MANE Select); coding-DNA position 1689, G replaced by T.
Protein change: p.Trp563Cys; replaces tryptophan 563 with cysteine.
Molecular consequence: missense variant.
Genome position (GRCh38, 1-based): chr13:32,333,167, G>T. VCF-style: chr13-32333167-G-T. GRCh37 (hg19) VCF-style: chr13-32907304-G-T.
Other names: short protein forms W563C.
Identifiers: ClinVar variation 919567 (VCV000919567.13), dbSNP rs80358456, ClinGen allele CA387765185.